The following is an entry in ClinVar:

ClinVar aggregate classification (germline): Likely benign (1 of 4 stars; one submission).

Allele frequency attached by ClinVar (database versions not stated): ESP Exome Variant Server 0.00046; gnomAD 0.00028; TOPMed 0.00029; ExAC 0.00036; gnomAD exomes 0.00058.
gnomAD v4.1: 599 of 1,074,340 alleles (0.056%); highest among the groups gnomAD compares: Middle Eastern, 0.88%; 1 homozygote.

Submission:

CeGaT Center for Human Genetics Tuebingen
Classification: Likely benign. Last evaluated: 2026-03-01. Review status: criteria provided, single submitter. Criteria: CeGaT Center For Human Genetics Tuebingen Variant Classification Criteria Version 2. Collection method: clinical testing. Allele origin: germline. Affected: yes. Observed: 3 variant alleles.
Comment: CHD5: BP4, BP7, BS1

NM_015557.3(CHD5):c.2043C>T (p.Asp681=)

Gene: CHD5 (chromodomain helicase DNA binding protein 5; minus strand). Cytogenetic location: 1p36.31.
Variant type: single nucleotide variant.
Coding change: c.2043C>T on transcript NM_015557.3 (MANE Select); coding-DNA position 2043, C replaced by T.
Protein change: p.Asp681=; no amino-acid change (aspartic acid 681 retained).
Molecular consequence: synonymous variant.
Genome position (GRCh38, 1-based): chr1:6,143,823, G>A on the plus strand (C>T on the coding strand, the complement: CHD5 is on the minus strand). VCF-style: chr1-6143823-G-A. GRCh37 (hg19) VCF-style: chr1-6203883-G-A.
Identifiers: ClinVar variation 2638119 (VCV002638119.24), dbSNP rs143956519, ClinGen allele CA556876.